The following is an entry in ClinVar:

ClinVar aggregate classification (germline): Conflicting classifications of pathogenicity. Review status: criteria provided, conflicting classifications (1 of 4 stars). 3 submissions from 3 submitters: Uncertain significance (1); Likely benign (2). Last evaluated 2021-07-15.

Conditions:
Cornelia de Lange syndrome 1 (CDLS1). Also called: Brachmann de Lange syndrome; NIPBL-Related Cornelia de Lange Syndrome; TYPUS DEGENERATIVUS AMSTELODAMENSIS. Identifiers: Orphanet 199, MedGen C4551851, MONDO:0007387, OMIM 122470.

Allele frequency attached by ClinVar (database versions not stated): gnomAD below 0.00001 and 0.00001; TOPMed below 0.00001; gnomAD exomes 0.00008 and 0.00010; ExAC 0.00011.
gnomAD v4.1: 79 of 1,231,144 alleles (0.0064%); highest among the groups gnomAD compares: South Asian, 0.084%; 1 homozygote.

Submissions (3):

Genome-Nilou Lab
Classification: Likely benign for Cornelia de Lange syndrome 1. Last evaluated: 2021-07-15. Review status: criteria provided, single submitter. Criteria: ACMG Guidelines, 2015. Collection method: clinical testing. Allele origin: germline. Affected: no.

Illumina Laboratory Services, Illumina
Classification: Likely benign for Cornelia de Lange syndrome 1. Last evaluated: 2018-01-12. Review status: criteria provided, single submitter. Criteria: ICSL Variant Classification Criteria 13 December 2019. Collection method: clinical testing. Allele origin: germline.
Comment: This variant was observed in the ICSL laboratory as part of a predisposition screen in an ostensibly healthy population. It had not been previously curated by ICSL or reported in the Human Gene Mutation Database (HGMD: prior to June 1st, 2018), and was therefore a candidate for classification through an automated scoring system. Utilizing variant allele frequency, disease prevalence and penetrance estimates, and inheritance mode, an automated score was calculated to assess if this variant is too frequent to cause the disease. Based on the score and internal cut-off values, a variant classified as likely benign is not then subjected to further curation. The score for this variant resulted in a classification of likely benign for this disease.

Genetic Services Laboratory, University of Chicago
Classification: Uncertain significance for Cornelia de Lange syndrome 1. Last evaluated: 2013-06-28. Review status: criteria provided, single submitter. Criteria: ACMG Guidelines, 2007. Collection method: clinical testing. Allele origin: germline. Inheritance: Autosomal dominant inheritance.

NM_133433.4(NIPBL):c.4321-15A>G

Gene: NIPBL (NIPBL cohesin loading factor; plus strand). Cytogenetic location: 5p13.2.
Variant type: single nucleotide variant.
Coding change: c.4321-15A>G on transcript NM_133433.4 (MANE Select); 15 bases into the intron before coding-DNA position 4321, A replaced by G.
Molecular consequence: intron variant.
Genome position (GRCh38, 1-based): chr5:37,008,608, A>G. VCF-style: chr5-37008608-A-G. GRCh37 (hg19) VCF-style: chr5-37008710-A-G.
Other names: c.4321-15A>G (NM_015384.5).
Identifiers: ClinVar variation 159114 (VCV000159114.11), dbSNP rs587783946, ClinGen allele CA272106.